The following is an entry in ClinVar:

ClinVar aggregate classification (germline): Pathogenic (1 of 4 stars; one submission).

Conditions:
Hereditary cancer-predisposing syndrome. Also called: Hereditary Cancer Syndrome; Neoplastic Syndromes, Hereditary; Hereditary neoplastic syndrome; Tumor predisposition. Identifiers: Orphanet 140162, MedGen C0027672, MeSH D009386, MONDO:0015356.

Submission:

Ambry Genetics
Classification: Pathogenic for Hereditary cancer-predisposing syndrome. Last evaluated: 2018-05-25. Review status: criteria provided, single submitter. Criteria: Ambry Variant Classification Scheme 2023. Collection method: clinical testing. Allele origin: germline.
Comment: The p.Y813* pathogenic mutation (also known as c.2439T>A), located in coding exon 23 of the RB1 gene, results from a T to A substitution at nucleotide position 2439. This changes the amino acid from a tyrosine to a stop codon within coding exon 23. In one study, this nonsense mutation (resulting from a T>G substitution at nucleotide position c.2439) was detected in one individual in a cohort of individuals with bilateral or unilateral familial retinoblastoma (Richter S et al. Am. J. Hum. Genet. 2003;72(2):253-69). In addition to the clinical data presented in the literature, this alteration is expected to result in loss of function by premature protein truncation or nonsense-mediated mRNA decay. As such, this alteration is interpreted as a disease-causing mutation.

Literature cited by the submitters: PubMed 12541220.

NM_000321.3(RB1):c.2439T>A (p.Tyr813Ter)

Gene: RB1 (RB transcriptional corepressor 1; plus strand). Cytogenetic location: 13q14.2.
Variant type: single nucleotide variant.
Coding change: c.2439T>A on transcript NM_000321.3 (MANE Select); coding-DNA position 2439, T replaced by A.
Protein change: p.Tyr813Ter; replaces tyrosine 813 with a stop codon.
Molecular consequence: nonsense.
Genome position (GRCh38, 1-based): chr13:48,465,318, T>A. VCF-style: chr13-48465318-T-A. GRCh37 (hg19) VCF-style: chr13-49039454-T-A.
Other names: short protein forms Y813*.
Identifiers: ClinVar variation 428692 (VCV000428692.5), dbSNP rs774744607, ClinGen allele CA388167985.